The following is an entry in ClinVar:

NM_001379291.1(BRD4):c.3832G>A (p.Glu1278Lys)

Gene: BRD4 (bromodomain containing 4; minus strand). Cytogenetic location: 19p13.12.
Variant type: single nucleotide variant.
Coding change: c.3832G>A on transcript NM_001379291.1 (MANE Select); coding-DNA position 3832, G replaced by A.
Protein change: p.Glu1278Lys; replaces glutamic acid 1278 with lysine.
Molecular consequence: missense variant.
Genome position (GRCh38, 1-based): chr19:15,238,931, C>T on the plus strand (G>A on the coding strand, the complement: BRD4 is on the minus strand). VCF-style: chr19-15238931-C-T. GRCh37 (hg19) VCF-style: chr19-15349742-C-T.
Other names: c.3832G>A, p.Glu1278Lys (NM_058243.3); short protein forms E1278K.
Identifiers: ClinVar variation 3657417 (VCV003657417.2).

ClinVar aggregate classification (germline): Uncertain significance (1 of 4 stars; one submission).

gnomAD v4.1: 2 of 1,598,802 alleles (0.00013%); highest among the groups gnomAD compares: South Asian, 0.0011%; no homozygotes.

Submission:

Labcorp Genetics (formerly Invitae), Labcorp
Classification: Uncertain significance. Last evaluated: 2024-09-29. Review status: criteria provided, single submitter. Criteria: Invitae Variant Classification Sherloc (09022015). Collection method: clinical testing. Allele origin: germline.
Comment: This sequence change replaces glutamic acid, which is acidic and polar, with lysine, which is basic and polar, at codon 1278 of the BRD4 protein (p.Glu1278Lys). This variant is not present in population databases (gnomAD no frequency). This variant has not been reported in the literature in individuals affected with BRD4-related conditions. An algorithm developed to predict the effect of missense changes on protein structure and function (PolyPhen-2) suggests that this variant is likely to be tolerated. In summary, the available evidence is currently insufficient to determine the role of this variant in disease. Therefore, it has been classified as a Variant of Uncertain Significance.